The following is an entry in ClinVar:

NM_001277115.2(DNAH11):c.5993G>A (p.Gly1998Asp)

Gene: DNAH11 (dynein axonemal heavy chain 11; plus strand). Cytogenetic location: 7p15.3.
Variant type: single nucleotide variant.
Coding change: c.5993G>A on transcript NM_001277115.2 (MANE Select); coding-DNA position 5993, G replaced by A.
Protein change: p.Gly1998Asp; replaces glycine 1998 with aspartic acid.
Molecular consequence: missense variant.
Genome position (GRCh38, 1-based): chr7:21,690,833, G>A. VCF-style: chr7-21690833-G-A. GRCh37 (hg19) VCF-style: chr7-21730451-G-A.
Other names: short protein forms G1998D.
Identifiers: ClinVar variation 238927 (VCV000238927.12), dbSNP rs369704964, ClinGen allele CA4180631.

ClinVar aggregate classification (germline): Conflicting classifications of pathogenicity. Review status: criteria provided, conflicting classifications (1 of 4 stars). 3 submissions from 3 submitters: Uncertain significance (2); Benign (1). Last evaluated 2026-01-21.

Conditions:
Primary ciliary dyskinesia. Also called: Ciliary dyskinesia. Identifiers: Orphanet 244, MedGen C0008780, MONDO:0016575, HP:0012265.

Allele frequency attached by ClinVar (database versions not stated): gnomAD exomes 0.00013; ExAC 0.00003; TOPMed 0.00006; ESP Exome Variant Server 0.00008.
gnomAD v4.1: 49 of 1,612,662 alleles (0.003%); highest among the groups gnomAD compares: Admixed American, 0.064%; no homozygotes.

Submissions (3):

Labcorp Genetics (formerly Invitae), Labcorp
Classification: Benign for Primary ciliary dyskinesia. Last evaluated: 2026-01-21. Review status: criteria provided, single submitter. Criteria: Invitae Variant Classification Sherloc (09022015). Collection method: clinical testing. Allele origin: germline.

Blueprint Genetics
Classification: Uncertain significance. Last evaluated: 2023-10-18. Review status: criteria provided, single submitter. Criteria: ACMG Guidelines, 2015. Collection method: clinical testing. Allele origin: germline.

Ambry Genetics
Classification: Uncertain significance for Primary ciliary dyskinesia. Last evaluated: 2017-10-30. Review status: criteria provided, single submitter. Criteria: Ambry Variant Classification Scheme 2023. Collection method: clinical testing. Allele origin: germline.
Comment: The p.G1998D variant (also known as c.5993G>A), located in coding exon 35 of the DNAH11 gene, results from a G to A substitution at nucleotide position 5993. The glycine at codon 1998 is replaced by aspartic acid, an amino acid with similar properties. This amino acid position is highly conserved in available vertebrate species. In addition, the in silico prediction for this alteration is inconclusive. Since supporting evidence is limited at this time, the clinical significance of this alteration remains unclear.